The following is an entry in ClinVar:

ClinVar aggregate classification (germline): Uncertain significance. Review status: criteria provided, multiple submitters, no conflicts (2 of 4 stars). 2 submissions from 2 submitters: Uncertain significance (2). Last evaluated 2023-12-29.

Conditions:
Cardiovascular phenotype. Identifiers: MedGen CN230736.
Hereditary cancer-predisposing syndrome. Also called: Neoplastic Syndromes, Hereditary; Hereditary Cancer Syndrome; Tumor predisposition; Hereditary neoplastic syndrome. Identifiers: Orphanet 140162, MedGen C0027672, MeSH D009386, MONDO:0015356.
LZTR1-related schwannomatosis. Also called: Schwannomatosis 2; Schwannomatosis-2, susceptibility to. Identifiers: Orphanet 93921, MedGen C3810283, MONDO:0014299, OMIM 615670.

gnomAD v4.1: 1 of 1,613,094 alleles (0.000062%); highest among the groups gnomAD compares: African/African-American, 0.0013%; no homozygotes.

Submissions (2):

Ambry Genetics
Classification: Uncertain significance for Cardiovascular phenotype; Hereditary cancer-predisposing syndrome. Last evaluated: 2023-12-29. Review status: criteria provided, single submitter. Criteria: Ambry Variant Classification Scheme 2023. Collection method: clinical testing. Allele origin: germline.
Comment: The p.H681R variant (also known as c.2042A>G), located in coding exon 17 of the LZTR1 gene, results from an A to G substitution at nucleotide position 2042. The histidine at codon 681 is replaced by arginine, an amino acid with highly similar properties. This amino acid position is conserved. In addition, this alteration is predicted to be deleterious by in silico analysis. Since supporting evidence is limited at this time, the clinical significance of this alteration remains unclear.

Baylor Genetics
Classification: Uncertain significance for LZTR1-related schwannomatosis. Last evaluated: 2020-08-30. Review status: criteria provided, single submitter. Criteria: ACMG Guidelines, 2015. Collection method: clinical testing. Allele origin: maternal. Affected: yes. Study: CSER-TexasKidsCanSeq.
Comment: This variant was determined to be of uncertain significance according to ACMG Guidelines, 2015 [PMID:25741868].

NM_006767.4(LZTR1):c.2042A>G (p.His681Arg)

Gene: LZTR1 (leucine zipper like post translational regulator 1; plus strand). Cytogenetic location: 22q11.21.
Variant type: single nucleotide variant.
Coding change: c.2042A>G on transcript NM_006767.4 (MANE Select); coding-DNA position 2042, A replaced by G.
Protein change: p.His681Arg; replaces histidine 681 with arginine.
Molecular consequence: missense variant.
Genome position (GRCh38, 1-based): chr22:20,995,845, A>G. VCF-style: chr22-20995845-A-G. GRCh37 (hg19) VCF-style: chr22-21350134-A-G.
Other names: short protein forms H681R.
Identifiers: ClinVar variation 997486 (VCV000997486.3), dbSNP rs766706053, ClinGen allele CA410779119.
Genomic context (GRCh38, chr22:20,995,845, plus strand): 5'-GAGCGGGCGCGGAATTCTGTGACATCACTCTGTTGCTTGACGGGCACCCACGGCCAGCCC[A>G]CAAGGCTATCCTGGCCGCCCGCTCCAGGTGGGTGGGGGCTGGACAGGAGGGGAGGGTGGG-3'
Protein context (NP_006758.2, residues 671-691): LLLDGHPRPA[His681Arg]KAILAARSSY